The following is an entry in ClinVar:

ClinVar aggregate classification (germline): Uncertain significance (1 of 4 stars; one submission).

Allele frequency attached by ClinVar (database versions not stated): TOPMed 0.00001.

Submission:

Labcorp Genetics (formerly Invitae), Labcorp
Classification: Uncertain significance. Last evaluated: 2022-07-06. Review status: criteria provided, single submitter. Criteria: Invitae Variant Classification Sherloc (09022015). Collection method: clinical testing. Allele origin: germline.
Comment: This sequence change replaces glutamic acid, which is acidic and polar, with aspartic acid, which is acidic and polar, at codon 2145 of the CEP250 protein (p.Glu2145Asp). In summary, the available evidence is currently insufficient to determine the role of this variant in disease. Therefore, it has been classified as a Variant of Uncertain Significance. Algorithms developed to predict the effect of missense changes on protein structure and function are either unavailable or do not agree on the potential impact of this missense change (SIFT: "Not Available"; PolyPhen-2: "Benign"; Align-GVGD: "Not Available"). ClinVar contains an entry for this variant (Variation ID: 1021097). This variant has not been reported in the literature in individuals affected with CEP250-related conditions. This variant is not present in population databases (gnomAD no frequency).

NM_007186.6(CEP250):c.6435G>T (p.Glu2145Asp)

Gene: CEP250 (centrosomal protein 250; plus strand). Cytogenetic location: 20q11.22.
Variant type: single nucleotide variant.
Coding change: c.6435G>T on transcript NM_007186.6 (MANE Select); coding-DNA position 6435, G replaced by T.
Protein change: p.Glu2145Asp; replaces glutamic acid 2145 with aspartic acid.
Molecular consequence: missense variant.
Genome position (GRCh38, 1-based): chr20:35,504,804, G>T. VCF-style: chr20-35504804-G-T. GRCh37 (hg19) VCF-style: chr20-34092632-G-T.
Other names: c.4539G>T, p.Glu1513Asp (NM_001318219.1); short protein forms E1513D, E2145D.
Identifiers: ClinVar variation 1021097 (VCV001021097.8), dbSNP rs904501712, ClinGen allele CA314161778.